The following is an entry in ClinVar:

ClinVar aggregate classification (germline): Conflicting classifications of pathogenicity. Review status: criteria provided, conflicting classifications (1 of 4 stars). 6 submissions from 6 submitters: Uncertain significance (1); Benign (1); Likely benign (3). 1 of the submissions does not count toward it. Last evaluated 2026-09-01.

Conditions:
Leber congenital amaurosis (LCA). Also called: Leber's amaurosis. Identifiers: Orphanet 65, MedGen C0339527, MeSH D057130, MONDO:0018998.
Meckel-Gruber syndrome. Also called: DYSENCEPHALIA SPLANCHNOCYSTICA; GRUBER SYNDROME; Dysencephalia splachnocystica. Identifiers: Orphanet 564, MedGen C0265215, MONDO:0018921.
Nephronophthisis. Also called: Juvenile Nephronophthisis. Identifiers: Orphanet 655, MedGen C0687120, MONDO:0019005, HP:0000090.
Joubert syndrome. Also called: JOUBERT-BOLTSHAUSER SYNDROME; Familial aplasia of the vermis. Identifiers: Orphanet 475, MedGen C5979921, MONDO:0018772.

Allele frequency attached by ClinVar (database versions not stated): gnomAD exomes 0.00011 and 0.00056; gnomAD 0.00016 and 0.00017; 1000 Genomes Project 0.00020; TOPMed 0.00025; 1000 Genomes Project 30x 0.00031; ExAC 0.00050.

Submissions (6):

CeGaT Center for Human Genetics Tuebingen
Classification: Likely benign. Last evaluated: 2026-09-01. Review status: criteria provided, single submitter. Criteria: CeGaT Center For Human Genetics Tuebingen Variant Classification Criteria Version 2. Collection method: clinical testing. Allele origin: germline. Affected: yes. Observed: 3 variant alleles.
Comment: CEP290: BP4, BP7

Labcorp Genetics (formerly Invitae), Labcorp
Classification: Benign for Joubert syndrome; Meckel-Gruber syndrome; Nephronophthisis. Last evaluated: 2026-01-20. Review status: criteria provided, single submitter. Criteria: Invitae Variant Classification Sherloc (09022015). Collection method: clinical testing. Allele origin: germline.

Blueprint Genetics
Classification: Likely benign. Last evaluated: 2022-10-06. Review status: criteria provided, single submitter. Criteria: ACMG Guidelines, 2015. Collection method: clinical testing. Allele origin: germline.

GeneDx
Classification: Likely benign. Last evaluated: 2018-03-27. Review status: criteria provided, single submitter. Criteria: GeneDx Variant Classification (06012015). Collection method: clinical testing. Allele origin: germline. Affected: yes.
Comment: This variant is considered likely benign or benign based on one or more of the following criteria: it is a conservative change, it occurs at a poorly conserved position in the protein, it is predicted to be benign by multiple in silico algorithms, and/or has population frequency not consistent with disease.

Eurofins Ntd Llc (ga)
Classification: Uncertain significance. Last evaluated: 2017-01-05. Review status: criteria provided, single submitter. Criteria: EGL Classification Definitions 2015. Collection method: clinical testing. Allele origin: germline. Observed: 1 variant allele, 1 heterozygote.

Natera, Inc.
Classification: Likely benign for Leber congenital amaurosis. Last evaluated: 2020-04-17. Review status: no assertion criteria provided. Collection method: clinical testing. Allele origin: germline. Not counted in ClinVar's aggregate classification.

NM_025114.4(CEP290):c.3955T>C (p.Leu1319=)

Gene: CEP290 (centrosomal protein 290; minus strand). Cytogenetic location: 12q21.32.
Variant type: single nucleotide variant.
Coding change: c.3955T>C on transcript NM_025114.4 (MANE Select); coding-DNA position 3955, T replaced by C.
Protein change: p.Leu1319=; no amino-acid change (leucine 1319 retained).
Molecular consequence: synonymous variant.
Genome position (GRCh38, 1-based): chr12:88,089,106, A>G on the plus strand (T>C on the coding strand, the complement: CEP290 is on the minus strand). VCF-style: chr12-88089106-A-G. GRCh37 (hg19) VCF-style: chr12-88482883-A-G.
Identifiers: ClinVar variation 498873 (VCV000498873.59), dbSNP rs182851622, ClinGen allele CA6712052.
Genomic context (GRCh38, chr12:88,089,106, plus strand): 5'-TGGTATCCTTTAAAGTGCTTATTAACTCTTCCAGGCCCTTTAATTTTAATTCCATCTCCA[A>G]TGTTTTGTTCTCCATATTTCTATGTTCTTGTTGAGAATTTTTCATTTCTTGCATTATCTT-3'
Protein context (NP_079390.3, residues 1309-1329): QEHRNMENKT[Leu1319=]EMELKLKGLE